The following is an entry in ClinVar:

ClinVar aggregate classification (germline): Likely benign. Review status: criteria provided, multiple submitters, no conflicts (2 of 4 stars). 3 submissions from 3 submitters: Likely benign (2). 1 of the submissions does not count toward it. Last evaluated 2024-02-20.

Conditions:
RNF216-related disorder. Also called: RNF216-related condition.

Allele frequency attached by ClinVar (database versions not stated): gnomAD exomes below 0.00001; TOPMed 0.00001; ExAC 0.00002.
gnomAD v4.1: 9 of 1,593,490 alleles (0.00056%); highest among the groups gnomAD compares: Middle Eastern, 0.017%; no homozygotes.

Submissions (3):

Blueprint Genetics
Classification: Likely benign. Last evaluated: 2024-02-20. Review status: criteria provided, single submitter. Criteria: ACMG Guidelines, 2015. Collection method: clinical testing. Allele origin: germline.

CeGaT Center for Human Genetics Tuebingen
Classification: Likely benign. Last evaluated: 2023-06-01. Review status: criteria provided, single submitter. Criteria: CeGaT Center For Human Genetics Tuebingen Variant Classification Criteria Version 2. Collection method: clinical testing. Allele origin: germline. Affected: yes. Observed: 1 variant allele.
Comment: RNF216: BP4, BP7

PreventionGenetics, part of Exact Sciences
Classification: Likely benign for RNF216-related condition. Last evaluated: 2019-04-09. Review status: no assertion criteria provided. Collection method: clinical testing. Allele origin: germline. Not counted in ClinVar's aggregate classification.
Comment: This variant is classified as likely benign based on ACMG/AMP sequence variant interpretation guidelines (Richards et al. 2015 PMID: 25741868, with internal and published modifications).

NM_207111.4(RNF216):c.1110T>C (p.Tyr370=)

Gene: RNF216 (ring finger protein 216; minus strand). Cytogenetic location: 7p22.1.
Variant type: single nucleotide variant.
Coding change: c.1110T>C on transcript NM_207111.4 (MANE Select); coding-DNA position 1110, T replaced by C.
Protein change: p.Tyr370=; no amino-acid change (tyrosine 370 retained).
Molecular consequence: synonymous variant.
Genome position (GRCh38, 1-based): chr7:5,739,287, A>G on the plus strand (T>C on the coding strand, the complement: RNF216 is on the minus strand). VCF-style: chr7-5739287-A-G. GRCh37 (hg19) VCF-style: chr7-5778918-A-G.
Other names: c.939T>C, p.Tyr313= (NM_001377156.1, NM_207116.3); c.1110T>C (NM_207111.3).
Identifiers: ClinVar variation 2657291 (VCV002657291.26), dbSNP rs779537129, ClinGen allele CA4148346.
Genomic context (GRCh38, chr7:5,739,287, plus strand): 5'-TTTTACCACCACCACCACCACCACAAAAAAAGCATGGTAGTATACTTACACATTCAGATC[A>G]TAATAATTCTTAAAATGAATTATTTCCTCAATAAACCCATTTGCTACATCTGGAAATCTT-3'
Protein context (NP_996994.1, residues 360-380): IEEIIHFKNY[Tyr370=]DLNVLCNFLL